The following is an entry in ClinVar:

ClinVar aggregate classification (germline): Uncertain significance (1 of 4 stars; one submission).

Submission:

Labcorp Genetics (formerly Invitae), Labcorp
Classification: Uncertain significance. Last evaluated: 2022-06-17. Review status: criteria provided, single submitter. Criteria: Invitae Variant Classification Sherloc (09022015). Collection method: clinical testing. Allele origin: germline.
Comment: In summary, the available evidence is currently insufficient to determine the role of this variant in disease. Therefore, it has been classified as a Variant of Uncertain Significance. Algorithms developed to predict the effect of missense changes on protein structure and function are either unavailable or do not agree on the potential impact of this missense change (SIFT: "Tolerated"; PolyPhen-2: "Probably Damaging"; Align-GVGD: "Class C0"). This variant has not been reported in the literature in individuals affected with SMARCB1-related conditions. This variant is not present in population databases (gnomAD no frequency). This sequence change replaces glutamine, which is neutral and polar, with histidine, which is basic and polar, at codon 323 of the SMARCB1 protein (p.Gln323His).

NM_003073.5(SMARCB1):c.969G>C (p.Gln323His)

Gene: SMARCB1 (SWI/SNF related BAF chromatin remodeling complex subunit B1; plus strand). Cytogenetic location: 22q11.23.
Variant type: single nucleotide variant.
Coding change: c.969G>C on transcript NM_003073.5 (MANE Select); coding-DNA position 969, G replaced by C.
Protein change: p.Gln323His; replaces glutamine 323 with histidine.
Molecular consequence: missense variant.
Genome position (GRCh38, 1-based): chr22:23,825,398, G>C. VCF-style: chr22-23825398-G-C. GRCh37 (hg19) VCF-style: chr22-24167585-G-C.
Other names: c.942G>C, p.Gln314His (NM_001007468.3); c.996G>C, p.Gln332His (NM_001317946.2); c.1023G>C, p.Gln341His (NM_001362877.2); short protein forms Q314H, Q323H, Q332H, Q341H.
Identifiers: ClinVar variation 2007581 (VCV002007581.4), dbSNP rs2517724902, ClinGen allele CA410908075.
Genomic context (GRCh38, chr22:23,825,398, plus strand): 5'-GGGCGGGGAGTTTGTCACCACCATCGCATACAGCATCCGGGGACAGCTGAGCTGGCATCA[G>C]AAGACCTACGCCTTCAGGTAGGATCATGCATGAGTCTCTCCCTCCCTCATCTCCCTGCAA-3'
Protein context (NP_003064.2, residues 313-333): YSIRGQLSWH[Gln323His]KTYAFSENPL